The following is an entry in ClinVar:

NC_000003.11:g.(?_179113875)_(179123195_179131199)dup

Gene: GNB4 (G protein subunit beta 4; minus strand). Cytogenetic location: 3q26.33.
Variant type: Duplication.
Identifiers: ClinVar variation 4847562 (VCV004847562.1).

ClinVar aggregate classification (germline): Uncertain significance (1 of 4 stars; one submission).

Submission:

Women's Health and Genetics/Laboratory Corporation of America, LabCorp
Classification: Uncertain significance. Last evaluated: 2026-03-02. Review status: criteria provided, single submitter. Criteria: LabCorp Variant Classification Summary - May 2015. Collection method: clinical testing. Allele origin: germline.
Comment: Variant summary: The variant involves the duplication of exons 9-10 in the GNB4 gene. A presumed nomenclature of c.(699+1_700-1)_(*5126_?)dup has been designated for the purposes of this classification. The exact breakpoint at the 3' end of this variant is unknown, therefore this duplication may extend downstream of the annotated region of the gene. As it duplicates the termination codon, its effect on the encoded protein is unknown. The variant was absent in 125186 control chromosomes in the gnomAD database (Structural Variants v4.1 dataset). The available data on variant occurrences in the general population are insufficient to allow any conclusion about variant significance. To our knowledge, no occurrence of c.(699+1_700-1)_(*5126_?)dup in individuals affected with GNB4-related conditions and no experimental evidence demonstrating its impact on protein function have been reported. No submitters have cited clinical-significance assessments for this variant to ClinVar. Based on the evidence outlined above, the variant was classified as uncertain significance.